The following is an entry in ClinVar:

ClinVar aggregate classification (germline): Uncertain significance (1 of 4 stars; one submission).

gnomAD v4.1: 2 of 1,614,140 alleles (0.00012%); highest among the groups gnomAD compares: Non-Finnish European, 0.000085%; no homozygotes.

Submission:

Ambry Genetics
Classification: Uncertain significance. Last evaluated: 2025-04-05. Review status: criteria provided, single submitter. Criteria: Ambry Variant Classification Scheme 2023. Collection method: clinical testing. Allele origin: germline.
Comment: The p.P1693L variant (also known as c.5078C>T), located in coding exon 44 of the KIF1B gene, results from a C to T substitution at nucleotide position 5078. The proline at codon 1693 is replaced by leucine, an amino acid with similar properties. This amino acid position is conserved. In addition, the in silico prediction for this alteration is inconclusive. Based on the available evidence, the clinical significance of this variant remains unclear.

NM_001365951.3(KIF1B):c.5216C>T (p.Pro1739Leu)

Gene: KIF1B (kinesin family member 1B; plus strand). Cytogenetic location: 1p36.22.
Variant type: single nucleotide variant.
Coding change: c.5216C>T on transcript NM_001365951.3 (MANE Select); coding-DNA position 5216, C replaced by T.
Protein change: p.Pro1739Leu; replaces proline 1739 with leucine.
Molecular consequence: missense variant.
Genome position (GRCh38, 1-based): chr1:10,374,973, C>T. VCF-style: chr1-10374973-C-T. GRCh37 (hg19) VCF-style: chr1-10435031-C-T.
Other names: c.5216C>T, p.Pro1739Leu (NM_001365952.1); c.5078C>T, p.Pro1693Leu (NM_015074.3); short protein forms P1739L, P1693L.
Identifiers: ClinVar variation 4043038 (VCV004043038.1).